The following is an entry in ClinVar:

NM_017636.4(TRPM4):c.949G>T (p.Asp317Tyr)

Gene: TRPM4 (transient receptor potential cation channel subfamily M member 4; plus strand). Cytogenetic location: 19q13.33.
Variant type: single nucleotide variant.
Coding change: c.949G>T on transcript NM_017636.4 (MANE Select); coding-DNA position 949, G replaced by T.
Protein change: p.Asp317Tyr; replaces aspartic acid 317 with tyrosine.
Molecular consequence: missense variant. On other transcripts: 5 prime UTR variant (1).
Genome position (GRCh38, 1-based): chr19:49,171,668, G>T. VCF-style: chr19-49171668-G-T. GRCh37 (hg19) VCF-style: chr19-49674925-G-T.
Other names: c.949G>T, p.Asp317Tyr (NM_001195227.2); c.604G>T, p.Asp202Tyr (NM_001321281.2); c.-605G>T (NM_001321282.2); c.427G>T, p.Asp143Tyr (NM_001321283.2); c.100G>T, p.Asp34Tyr (NM_001321285.2); short protein forms D143Y, D317Y, D34Y, D202Y.
Identifiers: ClinVar variation 4730086 (VCV004730086.1).
Genomic context (GRCh38, chr19:49,171,668, plus strand): 5'-CCATGTCTCCTCGTGGCTGGCTCAGGGGGAGCTGCGGACTGCCTGGCGGAGACCCTGGAA[G>T]ACACTCTGGCCCCAGGGAGTGGGGGAGCCAGGCAAGGCGAAGCCCGAGATCGAATCAGGC-3'
Protein context (NP_060106.2, residues 307-327): AADCLAETLE[Asp317Tyr]TLAPGSGGAR

ClinVar aggregate classification (germline): Uncertain significance (1 of 4 stars; one submission).

Conditions:
Progressive familial heart block type IB (PFHB1B). Identifiers: Orphanet 871, MedGen C1970298, MONDO:0011474, OMIM 604559.

Submission:

Labcorp Genetics (formerly Invitae), Labcorp
Classification: Uncertain significance for Progressive familial heart block type IB. Last evaluated: 2025-10-28. Review status: criteria provided, single submitter. Criteria: Invitae Variant Classification Sherloc (09022015). Collection method: clinical testing. Allele origin: germline.
Comment: This sequence change replaces aspartic acid, which is acidic and polar, with tyrosine, which is neutral and polar, at codon 317 of the TRPM4 protein (p.Asp317Tyr). This variant is not present in population databases (gnomAD no frequency). This variant has not been reported in the literature in individuals affected with TRPM4-related conditions. An algorithm developed to predict the effect of missense changes on protein structure and function (PolyPhen-2) suggests that this variant is likely to be disruptive. In summary, the available evidence is currently insufficient to determine the role of this variant in disease. Therefore, it has been classified as a Variant of Uncertain Significance.